The following is an entry in ClinVar:

NM_148919.4(PSMB8):c.*8G>A

Gene: PSMB8 (proteasome 20S subunit beta 8; minus strand). Cytogenetic location: 6p21.32.
Variant type: single nucleotide variant.
Coding change: c.*8G>A on transcript NM_148919.4 (MANE Select); 8 bases downstream of the stop codon, G replaced by A.
Molecular consequence: 3 prime UTR variant.
Genome position (GRCh38, 1-based): chr6:32,840,951, C>T on the plus strand (G>A on the coding strand, the complement: PSMB8 is on the minus strand). VCF-style: chr6-32840951-C-T. GRCh37 (hg19) VCF-style: chr6-32808728-C-T.
Other names: c.*8G>A (LRG_1328t2, LRG_1328t1, NM_004159.5).
Identifiers: ClinVar variation 356359 (VCV000356359.12), dbSNP rs376750959, ClinGen allele CA3746265.

ClinVar aggregate classification (germline): Conflicting classifications of pathogenicity. Review status: criteria provided, conflicting classifications (1 of 4 stars). 5 submissions from 5 submitters: Uncertain significance (3); Benign (1); Likely benign (1). Last evaluated 2026-05-06.

Conditions:
Autoinflammatory syndrome. Identifiers: Orphanet 93665, MedGen C3890737, MONDO:0019751.
Proteasome-associated autoinflammatory syndrome 1 (PRAAS1). Also called: JOINT CONTRACTURES, MUSCULAR ATROPHY, MICROCYTIC ANEMIA, AND PANNICULITIS-INDUCED LIPODYSTROPHY; JMP SYNDROME; AUTOINFLAMMATION, LIPODYSTROPHY, AND DERMATOSIS SYNDROME; NAKAJO-NISHIMURA SYNDROME; CHRONIC ATYPICAL NEUTROPHILIC DERMATOSIS WITH LIPODYSTROPHY AND ELEVATED TEMPERATURE SYNDROME; Nakajo syndrome. Identifiers: Orphanet 2615, Orphanet 324977, Orphanet 324999, Orphanet 325004, MedGen C4746851, MONDO:0054698, OMIM 256040.

Allele frequency attached by ClinVar (database versions not stated): 1000 Genomes Project 30x 0.00062; ESP Exome Variant Server 0.00062; gnomAD exomes 0.00069 and 0.00109; gnomAD 0.00074; TOPMed 0.00076; 1000 Genomes Project 0.00080; ExAC 0.00110.

Submissions (5):

Women's Health and Genetics/Laboratory Corporation of America, LabCorp
Classification: Benign. Last evaluated: 2026-05-06. Review status: criteria provided, single submitter. Criteria: LabCorp Variant Classification Summary - May 2015. Collection method: clinical testing. Allele origin: germline.
Comment: Variant summary: PSMB8 c.*8G>A is located in the untranslated mRNA region downstream of the termination codon. The variant allele was found at a frequency of 0.0011 in 251470 control chromosomes, predominantly at a frequency of 0.0028 within the East Asian subpopulation in the gnomAD database. The observed variant frequency within East Asian control individuals in the gnomAD database exceeds the estimated maximal expected allele frequency for disease-causing variants in PSMB8. To our knowledge, no occurrence of c.*8G>A in individuals affected with PSMB8-related conditions and no experimental evidence demonstrating its impact on protein function have been reported. ClinVar contains an entry for this variant (Variation ID: 356359). Based on the evidence outlined above, the variant was classified as benign.

Blueprint Genetics
Classification: Uncertain significance. Last evaluated: 2024-11-23. Review status: criteria provided, single submitter. Criteria: ACMG Guidelines, 2015. Collection method: clinical testing. Allele origin: germline.

Genome Diagnostics Laboratory, The Hospital for Sick Children
Classification: Likely benign for Autoinflammatory syndrome. Last evaluated: 2021-04-16. Review status: criteria provided, single submitter. Criteria: ACMG Guidelines, 2015. Collection method: clinical testing. Allele origin: germline. Affected: yes.

Illumina Laboratory Services, Illumina
Classification: Uncertain significance for Proteasome-associated autoinflammatory syndrome 1. Last evaluated: 2018-01-12. Review status: criteria provided, single submitter. Criteria: ICSL Variant Classification Criteria 13 December 2019. Collection method: clinical testing. Allele origin: germline.

Breakthrough Genomics
Classification: Uncertain significance. Review status: criteria provided, single submitter. Criteria: ACMG Guidelines, 2015. Collection method: not provided. Allele origin: germline. Inheritance: Autosomal recessive inheritance. Affected: yes.